The following is an entry in ClinVar:

ClinVar aggregate classification (germline): Uncertain significance. Review status: criteria provided, multiple submitters, no conflicts (2 of 4 stars). 2 submissions from 2 submitters: Uncertain significance (2). Last evaluated 2024-12-25.

Allele frequency attached by ClinVar (database versions not stated): gnomAD exomes 0.00001.
gnomAD v4.1: 8 of 1,541,282 alleles (0.00052%); highest among the groups gnomAD compares: Non-Finnish European, 0.00053%; no homozygotes.

Submissions (2):

Ambry Genetics
Classification: Uncertain significance. Last evaluated: 2024-12-25. Review status: criteria provided, single submitter. Criteria: Ambry Variant Classification Scheme 2023. Collection method: clinical testing. Allele origin: germline.
Comment: The p.R358S variant (also known as c.1074A>T), located in coding exon 10 of the GEN1 gene, results from an A to T substitution at nucleotide position 1074. The arginine at codon 358 is replaced by serine, an amino acid with dissimilar properties. This amino acid position is conserved. In addition, this alteration is predicted to be tolerated by in silico analysis. Based on the available evidence, the clinical significance of this variant remains unclear.

Labcorp Genetics (formerly Invitae), Labcorp
Classification: Uncertain significance. Last evaluated: 2023-11-05. Review status: criteria provided, single submitter. Criteria: Invitae Variant Classification Sherloc (09022015). Collection method: clinical testing. Allele origin: germline.
Comment: This sequence change replaces arginine, which is basic and polar, with serine, which is neutral and polar, at codon 358 of the GEN1 protein (p.Arg358Ser). The frequency data for this variant in the population databases is considered unreliable, as metrics indicate poor data quality at this position in the gnomAD database. This variant has not been reported in the literature in individuals affected with GEN1-related conditions. An algorithm developed to predict the effect of missense changes on protein structure and function (PolyPhen-2) suggests that this variant is likely to be tolerated. In summary, the available evidence is currently insufficient to determine the role of this variant in disease. Therefore, it has been classified as a Variant of Uncertain Significance.

NM_001130009.3(GEN1):c.1074A>T (p.Arg358Ser)

Gene: GEN1 (GEN1 structure-specific endonuclease; plus strand). Cytogenetic location: 2p24.2.
Variant type: single nucleotide variant.
Coding change: c.1074A>T on transcript NM_001130009.3 (MANE Select); coding-DNA position 1074, A replaced by T.
Protein change: p.Arg358Ser; replaces arginine 358 with serine.
Molecular consequence: missense variant.
Genome position (GRCh38, 1-based): chr2:17,774,273, A>T. VCF-style: chr2-17774273-A-T. GRCh37 (hg19) VCF-style: chr2-17955540-A-T.
Other names: c.1074A>T (NM_001130009.1); c.1074A>T, p.Arg358Ser (NM_182625.5); short protein forms R358S.
Identifiers: ClinVar variation 2884942 (VCV002884942.4), dbSNP rs1484188171, ClinGen allele CA345919892.